The following is an entry in ClinVar:

NM_022436.3(ABCG5):c.356C>T (p.Ala119Val)

Gene: ABCG5 (ATP binding cassette subfamily G member 5; minus strand). Cytogenetic location: 2p21.
Variant type: single nucleotide variant.
Coding change: c.356C>T on transcript NM_022436.3 (MANE Select); coding-DNA position 356, C replaced by T.
Protein change: p.Ala119Val; replaces alanine 119 with valine.
Molecular consequence: missense variant.
Genome position (GRCh38, 1-based): chr2:43,831,993, G>A on the plus strand (C>T on the coding strand, the complement: ABCG5 is on the minus strand). VCF-style: chr2-43831993-G-A. GRCh37 (hg19) VCF-style: chr2-44059132-G-A.
Other names: short protein forms A119V.
Identifiers: ClinVar variation 4999891 (VCV004999891.1).

ClinVar aggregate classification (germline): Uncertain significance (1 of 4 stars; one submission).

Conditions:
ABCG5-related disorder. Also called: ABCG5-related condition.

gnomAD v4.1: 1 of 1,555,798 alleles (0.000064%); highest among the groups gnomAD compares: South Asian, 0.0012%; no homozygotes.

Submission:

PreventionGenetics, part of Exact Sciences
Classification: Uncertain significance for ABCG5-related condition. Last evaluated: 2024-11-13. Review status: criteria provided, single submitter. Criteria: ACMG Guidelines, 2015. Collection method: clinical testing. Allele origin: germline.
Comment: The ABCG5 c.356C>T variant is predicted to result in the amino acid substitution p.Ala119Val. To our knowledge, this variant has not been reported in the literature or in a large population database (gnomAD), indicating this variant is rare. At this time, the clinical significance of this variant is uncertain due to the absence of conclusive functional and genetic evidence.